The following is an entry in ClinVar:

ClinVar aggregate classification (germline): Uncertain significance (1 of 4 stars; one submission).

Allele frequency attached by ClinVar (database versions not stated): gnomAD 0.00001; TOPMed 0.00002; gnomAD exomes 0.00006; ExAC 0.00010; 1000 Genomes Project 0.00020; 1000 Genomes Project 30x 0.00031.
gnomAD v4.1: 60 of 1,613,780 alleles (0.0037%); highest among the groups gnomAD compares: African/African-American, 0.013%; no homozygotes.

Submission:

Labcorp Genetics (formerly Invitae), Labcorp
Classification: Uncertain significance. Last evaluated: 2022-02-05. Review status: criteria provided, single submitter. Criteria: Invitae Variant Classification Sherloc (09022015). Collection method: clinical testing. Allele origin: germline.
Comment: This sequence change replaces arginine, which is basic and polar, with tryptophan, which is neutral and slightly polar, at codon 252 of the HPS6 protein (p.Arg252Trp). This variant is present in population databases (rs559278390, gnomAD 0.02%). This variant has not been reported in the literature in individuals affected with HPS6-related conditions. ClinVar contains an entry for this variant (Variation ID: 1046448). Algorithms developed to predict the effect of missense changes on protein structure and function (SIFT, PolyPhen-2, Align-GVGD) all suggest that this variant is likely to be disruptive. In summary, the available evidence is currently insufficient to determine the role of this variant in disease. Therefore, it has been classified as a Variant of Uncertain Significance.

NM_024747.6(HPS6):c.754C>T (p.Arg252Trp)

Gene: HPS6 (HPS6 biogenesis of lysosomal organelles complex 2 subunit 3; plus strand). Cytogenetic location: 10q24.32.
Variant type: single nucleotide variant.
Coding change: c.754C>T on transcript NM_024747.6 (MANE Select); coding-DNA position 754, C replaced by T.
Protein change: p.Arg252Trp; replaces arginine 252 with tryptophan.
Molecular consequence: missense variant.
Genome position (GRCh38, 1-based): chr10:102,066,228, C>T. VCF-style: chr10-102066228-C-T. GRCh37 (hg19) VCF-style: chr10-103825985-C-T.
Other names: short protein forms R252W.
Identifiers: ClinVar variation 1046448 (VCV001046448.6), dbSNP rs559278390, ClinGen allele CA5659849.